The following is an entry in ClinVar:

ClinVar aggregate classification (germline): Pathogenic. Review status: criteria provided, multiple submitters, no conflicts (2 of 4 stars). 2 submissions from 2 submitters: Pathogenic (2). Last evaluated 2026-03-29.

Conditions:
Lucey-Driscoll syndrome (HBLRTFN). Also called: Transient familial neonatal hyperbilirubinemia. Identifiers: Orphanet 2312, MedGen C0270210, MONDO:0009383, OMIM 237900.
Crigler-Najjar syndrome, type II. Also called: HYPERBILIRUBINEMIA, CRIGLER-NAJJAR TYPE II; Crigler Najjar syndrome, type 2; Mutation in the UDP-glucuronosyl-transferase gene. Identifiers: Orphanet 205, Orphanet 79235, MedGen C2931132, MONDO:0011725, OMIM 606785.
Gilbert syndrome. Also called: HYPERBILIRUBINEMIA, GILBERT TYPE; HYPERBILIRUBINEMIA I; HYPERBILIRUBINEMIA, ARIAS TYPE; Gilbert Disease; Gilbert's syndrome. Identifiers: MedGen C0017551, MONDO:0007745, OMIM 143500.
Crigler-Najjar syndrome type 1. Also called: HYPERBILIRUBINEMIA, CRIGLER-NAJJAR TYPE I. Identifiers: Orphanet 79234, MedGen C0010324, MONDO:0021020, OMIM 218800.
BILIRUBIN, SERUM LEVEL OF, QUANTITATIVE TRAIT LOCUS 1 (BILIQTL1). Identifiers: MedGen C1866173, OMIM 601816.
UGT1A1-related disorder. Also called: UGT1A1-related condition; UGT1A1-related disorders.

gnomAD v4.1: 6 of 1,614,160 alleles (0.00037%); highest among the groups gnomAD compares: Non-Finnish European, 0.00051%; no homozygotes.

Submissions (2):

PreventionGenetics, part of Exact Sciences
Classification: Pathogenic for UGT1A1-related condition. Last evaluated: 2026-03-29. Review status: criteria provided, single submitter. Criteria: ACMG Guidelines, 2015. Collection method: clinical testing. Allele origin: germline.
Comment: The UGT1A1 c.847C>T variant is predicted to result in premature protein termination (p.Gln283*). This variant has been reported, along with a second protein-truncating variant in UGT1A1, in a patient diagnosed clinically with Crigler-Najjar syndrome type I who presented with unconjugated hyperbilirubinemia (D’Apolito et al. 2007. PubMed ID: 17229650). This variant is reported in 0.0018% of alleles in individuals of European (Non-Finnish) descent in gnomAD. Nonsense variants in UGT1A1 are expected to be pathogenic. This variant is interpreted as pathogenic.

Fulgent Genetics
Classification: Pathogenic for Gilbert syndrome; Crigler-Najjar syndrome type 1; Lucey-Driscoll syndrome; BILIRUBIN, SERUM LEVEL OF, QUANTITATIVE TRAIT LOCUS 1; Crigler-Najjar syndrome, type II. Last evaluated: 2024-03-15. Review status: criteria provided, single submitter. Criteria: ACMG Guidelines, 2015. Collection method: clinical testing. Allele origin: germline.

NM_000463.3(UGT1A1):c.847C>T (p.Gln283Ter)

Genes: UGT1A (UDP glucuronosyltransferase family 1 member A complex locus; plus strand), UGT1A1 (UDP glucuronosyltransferase family 1 member A1; plus strand), UGT1A10 (UDP glucuronosyltransferase family 1 member A10; plus strand), UGT1A3 (UDP glucuronosyltransferase family 1 member A3; plus strand), UGT1A4 (UDP glucuronosyltransferase family 1 member A4; plus strand) and 5 more. Cytogenetic location: 2q37.1.
Variant type: single nucleotide variant.
Coding change: c.847C>T on transcript NM_000463.3 (MANE Select); coding-DNA position 847, C replaced by T.
Protein change: p.Gln283Ter; replaces glutamine 283 with a stop codon.
Molecular consequence: nonsense. On other transcripts: intron variant (9).
Genome position (GRCh38, 1-based): chr2:233,761,134, C>T. VCF-style: chr2-233761134-C-T. GRCh37 (hg19) VCF-style: chr2-234669780-C-T.
Other names: c.856-5900C>T (NM_019076.5, NM_019075.4, NM_021027.3 and 1 more transcripts); c.61-5900C>T (NM_205862.3); c.862-5900C>T (NM_001072.4); c.868-5900C>T (NM_019078.2, NM_007120.3, NM_019093.4); short protein forms Q283*.
Identifiers: ClinVar variation 3586187 (VCV003586187.2).